The following is an entry in ClinVar:

NM_000127.3(EXT1):c.600G>T (p.Trp200Cys)

Gene: EXT1 (exostosin glycosyltransferase 1; minus strand). Cytogenetic location: 8q24.11.
Variant type: single nucleotide variant.
Coding change: c.600G>T on transcript NM_000127.3 (MANE Select); coding-DNA position 600, G replaced by T.
Protein change: p.Trp200Cys; replaces tryptophan 200 with cysteine.
Molecular consequence: missense variant.
Genome position (GRCh38, 1-based): chr8:118,110,447, C>A on the plus strand (G>T on the coding strand, the complement: EXT1 is on the minus strand). VCF-style: chr8-118110447-C-A. GRCh37 (hg19) VCF-style: chr8-119122686-C-A.
Other names: short protein forms W200C.
Identifiers: ClinVar variation 4746620 (VCV004746620.1).

ClinVar aggregate classification (germline): Uncertain significance (1 of 4 stars; one submission).

Conditions:
Multiple congenital exostosis (EXT). Also called: Hereditary multiple osteochondromas; Multiple exostoses; MULTIPLE CARTILAGINOUS EXOSTOSES; Multiple osteochondromas; Hereditary multiple exostoses; Hereditary multiple exostosis. Identifiers: Orphanet 321, MedGen C0015306, MONDO:0005508, HP:0002762.

Submission:

Labcorp Genetics (formerly Invitae), Labcorp
Classification: Uncertain significance for Multiple congenital exostosis. Last evaluated: 2025-04-01. Review status: criteria provided, single submitter. Criteria: Invitae Variant Classification Sherloc (09022015). Collection method: clinical testing. Allele origin: germline.
Comment: This sequence change replaces tryptophan, which is neutral and slightly polar, with cysteine, which is neutral and slightly polar, at codon 200 of the EXT1 protein (p.Trp200Cys). This variant is not present in population databases (gnomAD no frequency). This variant has not been reported in the literature in individuals affected with EXT1-related conditions. Invitae Evidence Modeling of protein sequence and biophysical properties (such as structural, functional, and spatial information, amino acid conservation, physicochemical variation, residue mobility, and thermodynamic stability) indicates that this missense variant is not expected to disrupt EXT1 protein function with a negative predictive value of 80%. In summary, the available evidence is currently insufficient to determine the role of this variant in disease. Therefore, it has been classified as a Variant of Uncertain Significance.